The following is an entry in ClinVar:

ClinVar aggregate classification (germline): Uncertain significance (1 of 4 stars; one submission).

Submission:

Labcorp Genetics (formerly Invitae), Labcorp
Classification: Uncertain significance. Last evaluated: 2024-05-24. Review status: criteria provided, single submitter. Criteria: Invitae Variant Classification Sherloc (09022015). Collection method: clinical testing. Allele origin: germline.
Comment: This sequence change replaces serine, which is neutral and polar, with glycine, which is neutral and non-polar, at codon 309 of the IL12RB2 protein (p.Ser309Gly). This variant is not present in population databases (gnomAD no frequency). This variant has not been reported in the literature in individuals affected with IL12RB2-related conditions. ClinVar contains an entry for this variant (Variation ID: 1519799). An algorithm developed to predict the effect of missense changes on protein structure and function (PolyPhen-2) suggests that this variant is likely to be disruptive. Algorithms developed to predict the effect of sequence changes on RNA splicing suggest that this variant may disrupt the consensus splice site. In summary, the available evidence is currently insufficient to determine the role of this variant in disease. Therefore, it has been classified as a Variant of Uncertain Significance.

NM_001374259.2(IL12RB2):c.925A>G (p.Ser309Gly)

Gene: IL12RB2 (interleukin 12 receptor subunit beta 2; plus strand). Cytogenetic location: 1p31.3.
Variant type: single nucleotide variant.
Coding change: c.925A>G on transcript NM_001374259.2 (MANE Select); coding-DNA position 925, A replaced by G.
Protein change: p.Ser309Gly; replaces serine 309 with glycine.
Molecular consequence: missense variant. On other transcripts: non-coding transcript variant (2).
Genome position (GRCh38, 1-based): chr1:67,330,777, A>G. VCF-style: chr1-67330777-A-G. GRCh37 (hg19) VCF-style: chr1-67796460-A-G.
Other names: c.925A>G, p.Ser309Gly (NM_001258214.1, NM_001258215.1, NM_001258216.1 and 2 more transcripts); short protein forms S309G.
Identifiers: ClinVar variation 1519799 (VCV001519799.8), dbSNP rs2100682248, ClinGen allele CA340734435.